The following is an entry in ClinVar:

NM_000317.3(PTS):c.163+696_163+750del

Gene: PTS (6-pyruvoyltetrahydropterin synthase; plus strand). Cytogenetic location: 11q22.3-q23.3.
Variant type: Deletion.
Coding change: c.163+696_163+750del on transcript NM_000317.3 (MANE Select); bases 696 to 750 of the intron after coding-DNA position 163, 55 bases deleted.
Molecular consequence: intron variant.
Genome position (GRCh38, 1-based): chr11:112,229,369-112,229,423, 55 bases deleted. GRCh37 (hg19): chr11:112,100,092-112,100,146.
Identifiers: ClinVar variation 485 (VCV000000485.3), dbSNP rs1555198165, ClinGen allele CA339816.

ClinVar aggregate classification (germline): Pathogenic. Review status: criteria provided, single submitter (1 of 4 stars). 2 submissions from 2 submitters: Pathogenic (1). 1 of the submissions does not count toward it. Last evaluated 2022-05-17.

Conditions:
6-Pyruvoyl-tetrahydrobiopterin synthase deficiency. Also called: Hyperphenylalanemia, BH4-deficient, A; Hyperphenylalaninemia due to 6-pyruvoyl-tetrahydropterin synthase deficiency; BH4-deficient hyperphenylalaninemia A; PTS DEFICIENCY; HYPERPHENYLALANINEMIA, TETRAHYDROBIOPTERIN-DEFICIENT, DUE TO PTS DEFICIENCY; PTS-Related Tetrahydrobiopterin Deficiency. Identifiers: Orphanet 13, Orphanet 238583, MedGen C0878676, MONDO:0009863, OMIM 261640.

Submissions (2):

Women's Health and Genetics/Laboratory Corporation of America, LabCorp
Classification: Pathogenic for 6-Pyruvoyl-tetrahydrobiopterin synthase deficiency. Last evaluated: 2022-05-17. Review status: criteria provided, single submitter. Criteria: LabCorp Variant Classification Summary - May 2015. Collection method: clinical testing. Allele origin: germline.
Comment: Variant summary: PTS c.163+696_163+750del55 is located at a deep intronic position not widely known to affect splicing. Several computational tools predict a significant impact on normal splicing: four predict the variant abolishes a cryptic 3' acceptor site, while four predict the variant strengthens a cryptic 3' acceptor site. The variant was absent in 150906 control chromosomes (gnomAD v3.1, genomes dataset). The variant c.163+696_163+750del55 (aka g.3760_3816del55) has been reported in the literature in individuals affected with 6-Pyruvoyl-Tetrahydropterin Synthase Deficiency, who carried a pathogenic variant in trans (Meili_2009, Manti_2020, Manzoni_2020). These data indicate that the variant may be associated with disease. Publications also reported experimental evidence, and generation of a pseudoexon was demonstrated from patient derived mRNA and in mini-gene assay systems (Meili_2009, Brasil_2011), together with the absence of protein product in patient derived fibroblasts (Meili_2009). No clinical diagnostic laboratories have submitted clinical-significance assessments for this variant to ClinVar after 2014. Based on the evidence outlined above, the variant was classified as pathogenic.

OMIM
Classification: Pathogenic for HYPERPHENYLALANINEMIA, BH4-DEFICIENT, A. Last evaluated: 2009-05-01. Review status: no assertion criteria provided. Collection method: literature only. Allele origin: germline. Not counted in ClinVar's aggregate classification.

Literature cited by the submitters: PubMed 19823873 (cited by Women's Health and Genetics/Laboratory Corporation of America, LabCorp); PubMed 32651154 (cited by Women's Health and Genetics/Laboratory Corporation of America, LabCorp); PubMed 21542064 (cited by Women's Health and Genetics/Laboratory Corporation of America, LabCorp); PubMed 35140743 (cited by Women's Health and Genetics/Laboratory Corporation of America, LabCorp); PubMed 33234470 (cited by Women's Health and Genetics/Laboratory Corporation of America, LabCorp); PubMed 19280650 (cited by Women's Health and Genetics/Laboratory Corporation of America, LabCorp and OMIM).